The following is an entry in ClinVar:

NM_017763.6(RNF43):c.1700G>A (p.Arg567Lys)

Gene: RNF43 (ring finger protein 43; minus strand). Cytogenetic location: 17q22.
Variant type: single nucleotide variant.
Coding change: c.1700G>A on transcript NM_017763.6 (MANE Select); coding-DNA position 1700, G replaced by A.
Protein change: p.Arg567Lys; replaces arginine 567 with lysine.
Molecular consequence: missense variant.
Genome position (GRCh38, 1-based): chr17:58,358,076, C>T on the plus strand (G>A on the coding strand, the complement: RNF43 is on the minus strand). VCF-style: chr17-58358076-C-T. GRCh37 (hg19) VCF-style: chr17-56435437-C-T.
Other names: c.1700G>A, p.Arg567Lys (NM_001305544.3); c.1319G>A, p.Arg440Lys (NM_001305545.2); short protein forms R440K, R567K.
Identifiers: ClinVar variation 3946886 (VCV003946886.1).

ClinVar aggregate classification (germline): Uncertain significance (1 of 4 stars; one submission).

Submission:

Ambry Genetics
Classification: Uncertain significance. Last evaluated: 2025-05-15. Review status: criteria provided, single submitter. Criteria: Ambry Variant Classification Scheme 2023. Collection method: clinical testing. Allele origin: germline.
Comment: The p.R567K variant (also known as c.1700G>A), located in coding exon 8 of the RNF43 gene, results from a G to A substitution at nucleotide position 1700. The arginine at codon 567 is replaced by lysine, an amino acid with highly similar properties. This amino acid position is conserved. In addition, this alteration is predicted to be tolerated by in silico analysis. Based on the available evidence, the clinical significance of this variant remains unclear.